The following is an entry in ClinVar:

ClinVar aggregate classification (germline): Uncertain significance. Review status: criteria provided, multiple submitters, no conflicts (2 of 4 stars). 4 submissions from 4 submitters: Uncertain significance (4). Last evaluated 2025-05-01.

Conditions:
Growth delay due to insulin-like growth factor I resistance. Also called: Somatomedin end-organ insensitivity to; Somatomedin-c resistance to; IGF-1 resistance; IGF-I RESISTANCE; Insulin-Like Growth Factor I Resistance. Identifiers: Orphanet 73273, MedGen C1849157, MONDO:0010038, OMIM 270450.
Inborn genetic diseases. Identifiers: MedGen C0950123, MeSH D030342.

Allele frequency attached by ClinVar (database versions not stated): gnomAD exomes below 0.00001; gnomAD 0.00005 and 0.00006; TOPMed 0.00008.
gnomAD v4.1: 27 of 1,614,068 alleles (0.0017%); highest among the groups gnomAD compares: African/African-American, 0.0093%; no homozygotes.

Submissions (4):

Labcorp Genetics (formerly Invitae), Labcorp
Classification: Uncertain significance. Last evaluated: 2025-05-01. Review status: criteria provided, single submitter. Criteria: Invitae Variant Classification Sherloc (09022015). Collection method: clinical testing. Allele origin: germline.
Comment: This sequence change replaces arginine, which is basic and polar, with glutamine, which is neutral and polar, at codon 753 of the IGF1R protein (p.Arg753Gln). This variant is present in population databases (no rsID available, gnomAD 0.004%). This variant has not been reported in the literature in individuals affected with IGF1R-related conditions. ClinVar contains an entry for this variant (Variation ID: 992767). Invitae Evidence Modeling of protein sequence and biophysical properties (such as structural, functional, and spatial information, amino acid conservation, physicochemical variation, residue mobility, and thermodynamic stability) indicates that this missense variant is not expected to disrupt IGF1R protein function with a negative predictive value of 80%. In summary, the available evidence is currently insufficient to determine the role of this variant in disease. Therefore, it has been classified as a Variant of Uncertain Significance.

Ambry Genetics
Classification: Uncertain significance for Inborn genetic diseases. Last evaluated: 2024-06-11. Review status: criteria provided, single submitter. Criteria: Ambry Variant Classification Scheme 2023. Collection method: clinical testing. Allele origin: germline.

GeneDx
Classification: Uncertain significance. Last evaluated: 2022-09-07. Review status: criteria provided, single submitter. Criteria: GeneDx Variant Classification Process June 2021. Collection method: clinical testing. Allele origin: germline. Affected: yes.
Comment: In silico analysis supports that this missense variant does not alter protein structure/function; Has not been previously published as pathogenic or benign to our knowledge

New York Genome Center
Classification: Uncertain significance for Growth delay due to insulin-like growth factor I resistance. Last evaluated: 2021-12-03. Review status: criteria provided, single submitter. Criteria: NYGC Assertion Criteria 2020. Collection method: clinical testing. Allele origin: inherited. Observed: 1 heterozygote. Study: CSER-NYCKidSeq.

NM_000875.5(IGF1R):c.2258G>A (p.Arg753Gln)

Gene: IGF1R (insulin like growth factor 1 receptor; plus strand). Cytogenetic location: 15q26.3.
Variant type: single nucleotide variant.
Coding change: c.2258G>A on transcript NM_000875.5 (MANE Select); coding-DNA position 2258, G replaced by A.
Protein change: p.Arg753Gln; replaces arginine 753 with glutamine.
Molecular consequence: missense variant.
Genome position (GRCh38, 1-based): chr15:98,922,204, G>A. VCF-style: chr15-98922204-G-A. GRCh37 (hg19) VCF-style: chr15-99465433-G-A.
Other names: c.2258G>A, p.Arg753Gln (NM_001291858.2); short protein forms R753Q.
Identifiers: ClinVar variation 992767 (VCV000992767.8), dbSNP rs987303175, ClinGen allele CA275384274.